The following is an entry in ClinVar:

ClinVar aggregate classification (germline): Uncertain significance (1 of 4 stars; one submission).

Allele frequency attached by ClinVar (database versions not stated): gnomAD 0.00001; gnomAD exomes 0.00002; TOPMed 0.00002.
gnomAD v4.1: 9 of 1,613,178 alleles (0.00056%); highest among the groups gnomAD compares: East Asian, 0.0022%; no homozygotes.

Submission:

Labcorp Genetics (formerly Invitae), Labcorp
Classification: Uncertain significance. Last evaluated: 2025-10-21. Review status: criteria provided, single submitter. Criteria: Invitae Variant Classification Sherloc (09022015). Collection method: clinical testing. Allele origin: germline.
Comment: This sequence change falls in intron 23 of the TONSL gene. It does not directly change the encoded amino acid sequence of the TONSL protein. It affects a nucleotide within the consensus splice site. This variant is present in population databases (no rsID available, gnomAD 0.003%). This variant has not been reported in the literature in individuals affected with TONSL-related conditions. ClinVar contains an entry for this variant (Variation ID: 1479861). Variants that disrupt the consensus splice site are a relatively common cause of aberrant splicing (PMID: 17576681, 9536098). Algorithms developed to predict the effect of sequence changes on RNA splicing suggest that this variant is not likely to affect RNA splicing. In summary, the available evidence is currently insufficient to determine the role of this variant in disease. Therefore, it has been classified as a Variant of Uncertain Significance.

Literature cited by the submitters: PubMed 17576681; PubMed 9536098.

NM_013432.5(TONSL):c.3735+4C>T

Gene: TONSL (tonsoku like, DNA repair protein; minus strand). Cytogenetic location: 8q24.3.
Variant type: single nucleotide variant.
Coding change: c.3735+4C>T on transcript NM_013432.5 (MANE Select); 4 bases into the intron after coding-DNA position 3735, C replaced by T.
Molecular consequence: intron variant.
Genome position (GRCh38, 1-based): chr8:144,432,281, G>A on the plus strand (C>T on the coding strand, the complement: TONSL is on the minus strand). VCF-style: chr8-144432281-G-A. GRCh37 (hg19) VCF-style: chr8-145657664-G-A.
Identifiers: ClinVar variation 1479861 (VCV001479861.5), dbSNP rs974490798, ClinGen allele CA187665049.